The following is an entry in ClinVar:

ClinVar aggregate classification (germline): Likely pathogenic (1 of 4 stars; one submission).

Conditions:
Stankiewicz-Isidor syndrome (STISS). Identifiers: MedGen C4479599, MONDO:0054591, OMIM 617516.

Submission:

Variantyx, Inc.
Classification: Likely pathogenic for Stankiewicz-Isidor syndrome. Last evaluated: 2025-05-20. Review status: criteria provided, single submitter. Criteria: Variantyx Assertion Criteria 2022. Collection method: clinical testing. Allele origin: de novo. Inheritance: Autosomal dominant inheritance. Affected: yes.
Comment: This is a frameshift variant in the PSMD12 gene (OMIM: 604450). Pathogenic variants in this gene have been associated with autosomal dominant Stankiewicz-Isidor syndrome. This variant introduces a premature termination codon in exon 3 out of 11and is expected to result in loss of function, which is a known disease mechanism for PSMD12 in this disorder (PMID: 28132691) (PVS1). This alteration has not been previously reported in individuals with PSMD12-related disorders in the databases available for review and it is absent from control populations (PM2). Based on the current evidence, this variant is classified as likely pathogenic for autosomal dominant Stankiewicz-Isidor syndrome.

Literature cited by the submitters: PubMed 28132691.

NM_002816.5(PSMD12):c.257del (p.Asn86fs)

Gene: PSMD12 (proteasome 26S subunit, non-ATPase 12; minus strand). Cytogenetic location: 17q24.2.
Variant type: Deletion.
Coding change: c.257del on transcript NM_002816.5 (MANE Select); coding-DNA position 257, one base deleted (A; older notation c.257delA).
Protein change: p.Asn86fs; shifts the reading frame from asparagine 86.
Molecular consequence: frameshift variant.
Genome position (GRCh38, 1-based): chr17:67,357,343, T deleted on the plus strand (A on the coding strand, the reverse complement: PSMD12 is on the minus strand); the first of 4 consecutive T bases (chr17:67,357,343-67,357,346); deleting any one gives the same sequence. VCF-style (leftmost placement, unchanged base first): chr17-67357342-AT-A. GRCh37 (hg19) VCF-style: chr17-65353458-AT-A.
Other names: c.80del, p.Asn27fs (NM_001316341.2); c.197del, p.Asn66fs (NM_174871.4); short protein forms N27fs, N66fs, N86fs.
Identifiers: ClinVar variation 4850720 (VCV004850720.1).